The following is an entry in ClinVar:

NM_001374353.1(GLI2):c.980A>G (p.Gln327Arg)

Gene: GLI2 (GLI family zinc finger 2; plus strand). Cytogenetic location: 2q14.2.
Variant type: single nucleotide variant.
Coding change: c.980A>G on transcript NM_001374353.1 (MANE Select); coding-DNA position 980, A replaced by G.
Protein change: p.Gln327Arg; replaces glutamine 327 with arginine.
Molecular consequence: missense variant.
Genome position (GRCh38, 1-based): chr2:120,970,527, A>G. VCF-style: chr2-120970527-A-G. GRCh37 (hg19) VCF-style: chr2-121728103-A-G.
Other names: c.980A>G, p.Gln327Arg (NM_001371271.1, NM_005270.5); c.605A>G, p.Gln202Arg (NM_001374354.1); short protein forms Q202R, Q327R.
Identifiers: ClinVar variation 2412891 (VCV002412891.4), dbSNP rs2467693465, ClinGen allele CA348168425.

ClinVar aggregate classification (germline): Uncertain significance (1 of 4 stars; one submission).

Submission:

GeneDx
Classification: Uncertain significance. Last evaluated: 2025-11-05. Review status: criteria provided, single submitter. Criteria: GeneDx Variant Classification Process June 2021. Collection method: clinical testing. Allele origin: germline.
Comment: Not observed at significant frequency in large population cohorts (gnomAD); In silico analysis suggests that this missense variant does not alter protein structure/function; Has not been previously published as pathogenic or benign to our knowledge